The following is an entry in ClinVar:

NM_000256.3(MYBPC3):c.324T>G (p.Pro108=)

Gene: MYBPC3 (myosin binding protein C3; minus strand). Cytogenetic location: 11p11.2.
Variant type: single nucleotide variant.
Coding change: c.324T>G on transcript NM_000256.3 (MANE Select); coding-DNA position 324, T replaced by G.
Protein change: p.Pro108=; no amino-acid change (proline 108 retained).
Molecular consequence: synonymous variant.
Genome position (GRCh38, 1-based): chr11:47,350,584, A>C on the plus strand (T>G on the coding strand, the complement: MYBPC3 is on the minus strand). VCF-style: chr11-47350584-A-C. GRCh37 (hg19) VCF-style: chr11-47372135-A-C.
Identifiers: ClinVar variation 3075556 (VCV003075556.2), dbSNP rs889465318, ClinGen allele CA221707867.

ClinVar aggregate classification (germline): Likely benign. Review status: criteria provided, multiple submitters, no conflicts (2 of 4 stars). 2 submissions from 2 submitters: Likely benign (2). Last evaluated 2024-08-23.

Conditions:
Cardiovascular phenotype. Identifiers: MedGen CN230736.
Hypertrophic cardiomyopathy. Also called: HYPERTROPHIC MYOCARDIOPATHY. Identifiers: Orphanet 217569, MedGen C0007194, MeSH D002312, MONDO:0005045, HP:0001639.

Allele frequency attached by ClinVar (database versions not stated): gnomAD exomes 0.00001; TOPMed 0.00001.
gnomAD v4.1: 4 of 1,524,322 alleles (0.00026%); highest among the groups gnomAD compares: Admixed American, 0.0026%; no homozygotes.

Submissions (2):

Ambry Genetics
Classification: Likely benign for Cardiovascular phenotype. Last evaluated: 2024-08-23. Review status: criteria provided, single submitter. Criteria: Ambry Variant Classification Scheme 2023. Collection method: clinical testing. Allele origin: germline.

All of Us Research Program, National Institutes of Health
Classification: Likely benign for Hypertrophic cardiomyopathy. Last evaluated: 2024-02-05. Review status: criteria provided, single submitter. Criteria: ACMG Guidelines, 2015. Collection method: clinical testing. Allele origin: germline. Inheritance: Autosomal dominant inheritance. Observed: 5 variant alleles, 5 heterozygotes.
Comment: This study involves interpretation of variants in research participants for the purpose of population health screening. Participant phenotype was not available at the time of variant classification. Additional details can be found in publication PMID: 35346344, PMCID: PMC8962531